The following is an entry in ClinVar:

NM_006231.4(POLE):c.5151del (p.Asn1717fs)

Gene: POLE (DNA polymerase epsilon, catalytic subunit; minus strand). Cytogenetic location: 12q24.33.
Variant type: Deletion.
Coding change: c.5151del on transcript NM_006231.4 (MANE Select); coding-DNA position 5151, one base deleted (C; older notation c.5151delC).
Protein change: p.Asn1717fs; shifts the reading frame from asparagine 1717.
Molecular consequence: frameshift variant.
Genome position (GRCh38, 1-based): chr12:132,642,199, G deleted on the plus strand (C on the coding strand, the reverse complement: POLE is on the minus strand). VCF-style (leftmost placement, unchanged base first): chr12-132642198-TG-T. GRCh37 (hg19) VCF-style: chr12-133218784-TG-T.
Other names: c.5151delC (NM_006231.3); short protein forms N1717fs.
Identifiers: ClinVar variation 570624 (VCV000570624.16), dbSNP rs1565936691, ClinGen allele CA891843962.
Genomic context (GRCh38, chr12:132,642,198, plus strand): 5'-CAGCCAGGTCTCATGGGCCTCGTCCTCCCGCCCACTTACCTGTGGAGTAACAGCCTGAAC[TG>T]TTGATCTCAACAGTGGCTTGGTCATCGAACTCCATGACAAGACAGTTGTCATCAGCCTCC-3'

ClinVar aggregate classification (germline): Conflicting classifications of pathogenicity. Review status: criteria provided, conflicting classifications (1 of 4 stars). 3 submissions from 3 submitters: Pathogenic (1); Uncertain significance (2). Last evaluated 2026-02-05.

Conditions:
Colorectal cancer, susceptibility to, 12 (CRCS12). Also called: COLORECTAL CANCER, SUSCEPTIBILITY TO, ON CHROMOSOME 12q24. Identifiers: Orphanet 220460, MedGen C3554460, MONDO:0014038, OMIM 615083.
Hereditary cancer-predisposing syndrome. Also called: Neoplastic Syndromes, Hereditary; Hereditary neoplastic syndrome; Tumor predisposition; Hereditary Cancer Syndrome. Identifiers: Orphanet 140162, MedGen C0027672, MeSH D009386, MONDO:0015356.

Allele frequency attached by ClinVar (database versions not stated): gnomAD exomes below 0.00001.

Submissions (3):

Ambry Genetics
Classification: Uncertain significance for Hereditary cancer-predisposing syndrome. Last evaluated: 2026-02-05. Review status: criteria provided, single submitter. Criteria: Ambry Variant Classification Scheme 2023. Collection method: clinical testing. Allele origin: germline.
Comment: The c.5151delC variant, located in coding exon 38 of the POLE gene, results from a deletion of one nucleotide at nucleotide position 5151, causing a translational frameshift with a predicted alternate stop codon (p.N1717Kfs*44). This alteration is expected to result in loss of function by premature protein truncation or nonsense-mediated mRNA decay. Although biallelic loss of function of POLE has been associated with autosomal recessive POLE deficiency, haploinsufficiency of POLE has not been established as a mechanism of disease for POLE-related polymerase proofreading-associated polyposis (PPAP) and POLE-related CMMRD-like syndrome. Based on the supporting evidence, this variant is expected to be causative of POLE deficiency when present along with a second pathogenic variant on the other allele; however, its clinical significance for PPAP and POLE-related CMMRD-like syndrome is unclear.

Labcorp Genetics (formerly Invitae), Labcorp
Classification: Pathogenic. Last evaluated: 2024-06-11. Review status: criteria provided, single submitter. Criteria: Invitae Variant Classification Sherloc (09022015). Collection method: clinical testing. Allele origin: germline.
Comment: This sequence change creates a premature translational stop signal (p.Asn1717Lysfs*44) in the POLE gene. It is expected to result in an absent or disrupted protein product. Loss-of-function variants in POLE are known to be pathogenic (PMID: 23230001, 25948378, 30503519). This variant is not present in population databases (gnomAD no frequency). This variant has not been reported in the literature in individuals affected with POLE-related conditions. ClinVar contains an entry for this variant (Variation ID: 570624). For these reasons, this variant has been classified as Pathogenic.

St. Jude Molecular Pathology, St. Jude Children's Research Hospital
Classification: Uncertain significance for Colorectal cancer, susceptibility to, 12. Last evaluated: 2022-08-15. Review status: criteria provided, single submitter. Criteria: St. Jude Assertion Criteria 2020. Collection method: clinical testing. Allele origin: germline.
Comment: The POLE c.5151del (p.Asn1717LysfsTer44) change deletes one nucleotide and causes a frameshift and the creation of a premature stop codon. The disease mechanism for replication-repair-associated DNA polymerases is loss of proofreading caused by missense changes in the exonuclease domain, whereas protein-truncating variants causing loss-of-function do not have an established correlation to POLE-associated polyposis (PMID: 23447401). This variant does not affect the exonuclease domain. This variant is absent in gnomAD v2.1.1. To our knowledge, this variant has not been reported in individuals with POLE-associated polyposis or FILS syndrome. In summary, the evidence currently available is insufficient to determine the clinical significance of this variant. It has therefore been classified as of uncertain significance.

Literature cited by the submitters: PubMed 23230001 (cited by Labcorp Genetics (formerly Invitae), Labcorp); PubMed 25948378 (cited by Labcorp Genetics (formerly Invitae), Labcorp); PubMed 30503519 (cited by Labcorp Genetics (formerly Invitae), Labcorp).